The following is an entry in ClinVar:

ClinVar aggregate classification (germline): Pathogenic/Likely pathogenic. Review status: criteria provided, multiple submitters, no conflicts (2 of 4 stars). 2 submissions from 2 submitters: Pathogenic (1); Likely pathogenic (1). Last evaluated 2024-10-18.

Conditions:
Familial dysautonomia. Also called: HSAN III; FD. Identifiers: Orphanet 1764, MedGen C0013364, MONDO:0009131, OMIM 223900. Disease mechanism: loss of function.

Submissions (2):

Natera, Inc.
Classification: Likely pathogenic for Familial dysautonomia. Last evaluated: 2024-10-18. Review status: criteria provided, single submitter. Criteria: Natera Variant Classification Schema (03/2026). Collection method: clinical testing. Allele origin: germline.
Comment: The c.3688G>T variant in ELP1 is a nonsense variant predicted to introduce a stop codon at amino acid 1230. This variant is expected to result in nonsense mediated decay, truncation, or a dysfunctional protein product. This variant is rare in the general population with a frequency below the threshold expected for the associated phenotype(s). Given the available evidence, this variant is classified as Likely Pathogenic.

Labcorp Genetics (formerly Invitae), Labcorp
Classification: Pathogenic. Last evaluated: 2021-04-23. Review status: criteria provided, single submitter. Criteria: Invitae Variant Classification Sherloc (09022015). Collection method: clinical testing. Allele origin: germline.
Comment: For these reasons, this variant has been classified as Pathogenic. This variant has not been reported in the literature in individuals with ELP1-related conditions. This variant is not present in population databases (ExAC no frequency). This sequence change creates a premature translational stop signal (p.Glu1230*) in the ELP1 gene. It is expected to result in an absent or disrupted protein product. Loss-of-function variants in ELP1 are known to be pathogenic (PMID: 18303054, 24173031).

Literature cited by the submitters: PubMed 18303054 (cited by Labcorp Genetics (formerly Invitae), Labcorp); PubMed 24173031 (cited by Labcorp Genetics (formerly Invitae), Labcorp).

NM_003640.5(ELP1):c.3688G>T (p.Glu1230Ter)

Gene: ELP1 (elongator acetyltransferase complex subunit 1; minus strand). Cytogenetic location: 9q31.3.
Variant type: single nucleotide variant.
Coding change: c.3688G>T on transcript NM_003640.5 (MANE Select); coding-DNA position 3688, G replaced by T.
Protein change: p.Glu1230Ter; replaces glutamic acid 1230 with a stop codon.
Molecular consequence: nonsense.
Genome position (GRCh38, 1-based): chr9:108,878,635, C>A on the plus strand (G>T on the coding strand, the complement: ELP1 is on the minus strand). VCF-style: chr9-108878635-C-A. GRCh37 (hg19) VCF-style: chr9-111640915-C-A.
Other names: c.3688G>T (NM_003640.4); c.3346G>T, p.Glu1116Ter (NM_001318360.2); c.2641G>T, p.Glu881Ter (NM_001330749.2); short protein forms E1116*, E1230*, E881*.
Identifiers: ClinVar variation 1426685 (VCV001426685.7), dbSNP rs764936574, ClinGen allele CA374411163.